The following is an entry in ClinVar:

ClinVar aggregate classification (germline): Uncertain significance (1 of 4 stars; one submission).

Conditions:
LEPR-related disorder. Also called: LEPR-related condition; LEPR-related disorders.

Allele frequency attached by ClinVar (database versions not stated): ExAC 0.00002.

Submission:

PreventionGenetics, part of Exact Sciences
Classification: Uncertain significance for LEPR-related condition. Last evaluated: 2025-02-07. Review status: criteria provided, single submitter. Criteria: ACMG Guidelines, 2015. Collection method: clinical testing. Allele origin: germline.
Comment: The LEPR c.391T>A variant is predicted to result in the amino acid substitution p.Cys131Ser. This variant was observed in a cohort of individuals with obesity, and in vitro functional studies showed moderate evidence of loss of function (Supplemental Data Set, Shah et al. 2023. PubMed ID: 36864747). Of note in vitro functional studies of other variants impacting the same amino acid (p.Cys131Phe, p.Cys131Trp, p.Cys131Gly, p.Cys131Arg, and p.Cys131Tyr) showed suggestive to inconclusive evidence of loss of function (Supplemental Data Set, Shah et al. 2023. PubMed ID: 36864747). This variant is reported in 0.0032% of alleles in individuals of Latino descent in gnomAD. At this time, the clinical significance of this variant is uncertain due to the absence of conclusive functional and genetic evidence.

NM_002303.6(LEPR):c.391T>A (p.Cys131Ser)

Gene: LEPR (leptin receptor; plus strand). Cytogenetic location: 1p31.3.
Variant type: single nucleotide variant.
Coding change: c.391T>A on transcript NM_002303.6 (MANE Select); coding-DNA position 391, T replaced by A.
Protein change: p.Cys131Ser; replaces cysteine 131 with serine.
Molecular consequence: missense variant.
Genome position (GRCh38, 1-based): chr1:65,572,346, T>A. VCF-style: chr1-65572346-T-A. GRCh37 (hg19) VCF-style: chr1-66038029-T-A.
Other names: c.391T>A, p.Cys131Ser (NM_001003679.3, NM_001003680.3, NM_001198687.2 and 2 more transcripts); short protein forms C131S.
Identifiers: ClinVar variation 2636874 (VCV002636874.4), dbSNP rs760870026, ClinGen allele CA894549.
Genomic context (GRCh38, chr1:65,572,346, plus strand): 5'-AGTTGTTTTTTTTTTTTTTTTTTTTTTTTTTTAAATTCAGATGCAAACTGGAACATACAG[T>A]GCTGGCTAAAAGGAGACTTAAAATTATTCATCTGTTATGTGGAGTCATTATTTAAGAATC-3'
Protein context (NP_002294.2, residues 121-141): QQIDANWNIQ[Cys131Ser]WLKGDLKLFI